The following is an entry in ClinVar:

ClinVar aggregate classification (germline): Uncertain significance (1 of 4 stars; one submission).

gnomAD v4.1: 2 of 1,588,248 alleles (0.00013%); highest among the groups gnomAD compares: African/African-American, 0.0014%; no homozygotes.

Submission:

Women's Health and Genetics/Laboratory Corporation of America, LabCorp
Classification: Uncertain significance. Last evaluated: 2022-05-04. Review status: criteria provided, single submitter. Criteria: LabCorp Variant Classification Summary - May 2015. Collection method: clinical testing. Allele origin: germline.
Comment: Variant summary: ANTXR2 c.712G>T (p.Val238Phe) results in a non-conservative amino acid change located in the Anthrax toxin receptor, extracellular domain (IPR008400) of the encoded protein sequence. Five of five in-silico tools predict a damaging effect of the variant on protein function. The variant allele was found at a frequency of 4.5e-06 in 221674 control chromosomes (gnomAD). The available data on variant occurrences in the general population are insufficient to allow any conclusion about variant significance. To our knowledge, no occurrence of c.712G>T in individuals affected with Hyaline Fibromatosis Syndrome and no experimental evidence demonstrating its impact on protein function have been reported. No clinical diagnostic laboratories have submitted clinical-significance assessments for this variant to ClinVar after 2014. Based on the evidence outlined above, the variant was classified as uncertain significance.

NM_058172.6(ANTXR2):c.712G>T (p.Val238Phe)

Gene: ANTXR2 (ANTXR cell adhesion molecule 2; minus strand). Cytogenetic location: 4q21.21.
Variant type: single nucleotide variant.
Coding change: c.712G>T on transcript NM_058172.6 (MANE Select); coding-DNA position 712, G replaced by T.
Protein change: p.Val238Phe; replaces valine 238 with phenylalanine.
Molecular consequence: missense variant.
Genome position (GRCh38, 1-based): chr4:80,033,556, C>A on the plus strand (G>T on the coding strand, the complement: ANTXR2 is on the minus strand). VCF-style: chr4-80033556-C-A. GRCh37 (hg19) VCF-style: chr4-80954710-C-A.
Other names: c.712G>T, p.Val238Phe (NM_001145794.2); c.481G>T, p.Val161Phe (NM_001286780.2, NM_001286781.2); short protein forms V161F, V238F.
Identifiers: ClinVar variation 1695999 (VCV001695999.1), dbSNP rs768405615, ClinGen allele CA357474050.